The following is an entry in ClinVar:

ClinVar aggregate classification (germline): Uncertain significance (1 of 4 stars; one submission).

gnomAD v4.1: 2 of 1,614,208 alleles (0.00012%); highest among the groups gnomAD compares: Non-Finnish European, 0.00017%; no homozygotes.

Submission:

GeneDx
Classification: Uncertain significance. Last evaluated: 2024-12-19. Review status: criteria provided, single submitter. Criteria: GeneDx Variant Classification Process June 2021. Collection method: clinical testing. Allele origin: germline. Affected: yes.
Comment: Not observed at significant frequency in large population cohorts (gnomAD); In silico analysis supports that this missense variant has a deleterious effect on protein structure/function; Has not been previously published as pathogenic or benign to our knowledge

NM_002055.5(GFAP):c.747C>A (p.Asn249Lys)

Gene: GFAP (glial fibrillary acidic protein; minus strand). Cytogenetic location: 17q21.31.
Variant type: single nucleotide variant.
Coding change: c.747C>A on transcript NM_002055.5 (MANE Select); coding-DNA position 747, C replaced by A.
Protein change: p.Asn249Lys; replaces asparagine 249 with lysine.
Molecular consequence: missense variant.
Genome position (GRCh38, 1-based): chr17:44,913,302, G>T on the plus strand (C>A on the coding strand, the complement: GFAP is on the minus strand). VCF-style: chr17-44913302-G-T. GRCh37 (hg19) VCF-style: chr17-42990670-G-T.
Other names: c.747C>A, p.Asn249Lys (NM_001131019.3, NM_001242376.3, NM_001363846.2); short protein forms N249K.
Identifiers: ClinVar variation 3906726 (VCV003906726.1).
Genomic context (GRCh38, chr17:44,913,302, plus strand): 5'-GGCAGGCTGGCCCACAGGCAGGGCTACCTTGGAGCGGTACCACTCTTCGGCTTCATGCAT[G>T]TTGCTGGACGCCATTGCCTCATACTGCGTGCGGATCTCTTTCAGGGCTGCGGTGAGGTCT-3'
Protein context (NP_002046.1, residues 239-259): RTQYEAMASS[Asn249Lys]MHEAEEWYRS